The following is an entry in ClinVar:

NM_006445.4(PRPF8):c.1929C>T (p.Gly643=)

Gene: PRPF8 (pre-mRNA processing factor 8; minus strand). Cytogenetic location: 17p13.3.
Variant type: single nucleotide variant.
Coding change: c.1929C>T on transcript NM_006445.4 (MANE Select); coding-DNA position 1929, C replaced by T.
Protein change: p.Gly643=; no amino-acid change (glycine 643 retained).
Molecular consequence: synonymous variant.
Genome position (GRCh38, 1-based): chr17:1,677,620, G>A on the plus strand (C>T on the coding strand, the complement: PRPF8 is on the minus strand). VCF-style: chr17-1677620-G-A. GRCh37 (hg19) VCF-style: chr17-1580914-G-A.
Identifiers: ClinVar variation 281811 (VCV000281811.24), dbSNP rs140040625, ClinGen allele CA8272219.

ClinVar aggregate classification (germline): Benign/Likely benign. Review status: criteria provided, multiple submitters, no conflicts (2 of 4 stars). 4 submissions from 4 submitters: Benign (2); Likely benign (2). Last evaluated 2026-08-01.

Allele frequency attached by ClinVar (database versions not stated): gnomAD exomes 0.00018 and 0.00044; ExAC 0.00052; 1000 Genomes Project 30x 0.00156; 1000 Genomes Project 0.00160; gnomAD 0.00191 and 0.00207; TOPMed 0.00216; ESP Exome Variant Server 0.00261.
gnomAD v4.1: 568 of 1,613,942 alleles (0.035%); highest among the groups gnomAD compares: African/African-American, 0.68%; 3 homozygotes.

Submissions (4):

CeGaT Center for Human Genetics Tuebingen
Classification: Likely benign. Last evaluated: 2026-08-01. Review status: criteria provided, single submitter. Criteria: CeGaT Center For Human Genetics Tuebingen Variant Classification Criteria Version 2. Collection method: clinical testing. Allele origin: germline. Affected: yes. Observed: 2 variant alleles.
Comment: PRPF8: BP4, BP7, BS1

Labcorp Genetics (formerly Invitae), Labcorp
Classification: Benign. Last evaluated: 2026-01-18. Review status: criteria provided, single submitter. Criteria: Invitae Variant Classification Sherloc (09022015). Collection method: clinical testing. Allele origin: germline.

Blueprint Genetics
Classification: Likely benign. Last evaluated: 2024-07-30. Review status: criteria provided, single submitter. Criteria: ACMG Guidelines, 2015. Collection method: clinical testing. Allele origin: germline.

Eurofins Ntd Llc (ga)
Classification: Benign. Last evaluated: 2015-07-28. Review status: criteria provided, single submitter. Criteria: EGL Classification Definitions 2015. Collection method: clinical testing. Allele origin: germline. Observed: 1 variant allele, 1 heterozygote.